The following is an entry in ClinVar:

NM_021098.3(CACNA1H):c.1655G>A (p.Arg552Gln)

Gene: CACNA1H (calcium voltage-gated channel subunit alpha1 H; plus strand). Cytogenetic location: 16p13.3.
Variant type: single nucleotide variant.
Coding change: c.1655G>A on transcript NM_021098.3 (MANE Select); coding-DNA position 1655, G replaced by A.
Protein change: p.Arg552Gln; replaces arginine 552 with glutamine.
Molecular consequence: missense variant.
Genome position (GRCh38, 1-based): chr16:1,202,105, G>A. VCF-style: chr16-1202105-G-A. GRCh37 (hg19) VCF-style: chr16-1252105-G-A.
Other names: c.1655G>A, p.Arg552Gln (NM_001005407.2); short protein forms R552Q.
Identifiers: ClinVar variation 729911 (VCV000729911.14), dbSNP rs568224207, ClinGen allele CA7799971.

ClinVar aggregate classification (germline): Conflicting classifications of pathogenicity. Review status: criteria provided, conflicting classifications (1 of 4 stars). 4 submissions from 4 submitters: Uncertain significance (2); Likely benign (2). Last evaluated 2025-10-01.

Conditions:
CACNA1H-related disorder.
Idiopathic generalized epilepsy. Also called: EIG; Generalised epilepsy. Identifiers: MedGen C0270850, MONDO:0005579, OMIM 600669.
Hyperaldosteronism, familial, type IV (HALD4). Also called: FH IV; ALDOSTERONISM, PRIMARY, AND HYPERTENSION. Identifiers: Orphanet 642671, MedGen C4310756, MONDO:0014875, OMIM 617027.
Inborn genetic diseases. Identifiers: MedGen C0950123, MeSH D030342.

Allele frequency attached by ClinVar (database versions not stated): gnomAD exomes 0.00004 and 0.00008; ExAC 0.00009; gnomAD 0.00025 and 0.00026; 1000 Genomes Project 30x 0.00031; TOPMed 0.00038; 1000 Genomes Project 0.00040.
gnomAD v4.1: 103 of 1,545,480 alleles (0.0067%); highest among the groups gnomAD compares: African/African-American, 0.059%; no homozygotes.

Submissions (4):

Labcorp Genetics (formerly Invitae), Labcorp
Classification: Likely benign for Idiopathic generalized epilepsy; Hyperaldosteronism, familial, type IV. Last evaluated: 2025-10-01. Review status: criteria provided, single submitter. Criteria: Invitae Variant Classification Sherloc (09022015). Collection method: clinical testing. Allele origin: germline.

PreventionGenetics, part of Exact Sciences
Classification: Uncertain significance for CACNA1H-related condition. Last evaluated: 2025-09-25. Review status: criteria provided, single submitter. Criteria: ACMG Guidelines, 2015. Collection method: clinical testing. Allele origin: germline.
Comment: The CACNA1H c.1655G>A variant is predicted to result in the amino acid substitution p.Arg552Gln. To our knowledge, this variant has not been reported in the literature. This variant is reported in 0.087% of alleles in individuals of African descent in gnomAD. At this time, the clinical significance of this variant is uncertain due to the absence of conclusive functional and genetic evidence.

Ambry Genetics
Classification: Uncertain significance for Inborn genetic diseases. Last evaluated: 2024-02-02. Review status: criteria provided, single submitter. Criteria: Ambry Variant Classification Scheme 2023. Collection method: clinical testing. Allele origin: germline.

Athena Diagnostics
Classification: Likely benign. Last evaluated: 2018-12-27. Review status: criteria provided, single submitter. Criteria: Athena Diagnostics Criteria. Collection method: clinical testing. Allele origin: germline.